The following is an entry in ClinVar:

ClinVar aggregate classification (germline): Benign. Review status: criteria provided, multiple submitters, no conflicts (2 of 4 stars). 9 submissions from 7 submitters: Benign (9). Last evaluated 2026-02-04.

Conditions:
Schwartz-Jampel syndrome. Also called: Myotonic myopathy dwarfism chondrodystrophy and ocular and facial abnormalities. Identifiers: Orphanet 800, MedGen C0036391, MONDO:0009717.
Lethal Kniest-like syndrome (DDSH). Also called: Dyssegmental Dysplasia. Identifiers: Orphanet 1865, MedGen C1857100, MONDO:0009140, OMIM 224410.

Allele frequency attached by ClinVar (database versions not stated): TOPMed 0.13006; ESP Exome Variant Server 0.13294; gnomAD 0.13467 and 0.14112; 1000 Genomes Project 30x 0.16131; 1000 Genomes Project 0.16414; gnomAD exomes 0.17232 and 0.17804; ExAC 0.17575.
gnomAD v4.1: 281,518 of 1,613,930 alleles (17%); highest among the groups gnomAD compares: South Asian, 27%; 26,102 homozygotes.

Submissions (9):

Labcorp Genetics (formerly Invitae), Labcorp
Classification: Benign. Last evaluated: 2026-02-04. Review status: criteria provided, single submitter. Criteria: Invitae Variant Classification Sherloc (09022015). Collection method: clinical testing. Allele origin: germline.

Blueprint Genetics
Classification: Benign. Last evaluated: 2024-11-26. Review status: criteria provided, single submitter. Criteria: ACMG Guidelines, 2015. Collection method: clinical testing. Allele origin: germline.

Genome-Nilou Lab
Classification: Benign for Lethal Kniest-like syndrome. Last evaluated: 2021-08-10. Review status: criteria provided, single submitter. Criteria: ACMG Guidelines, 2015. Collection method: clinical testing. Allele origin: germline. Affected: no.

Genome-Nilou Lab
Classification: Benign for Schwartz-Jampel syndrome type 1. Last evaluated: 2021-08-10. Review status: criteria provided, single submitter. Criteria: ACMG Guidelines, 2015. Collection method: clinical testing. Allele origin: germline. Affected: no.

Athena Diagnostics
Classification: Benign. Last evaluated: 2019-02-21. Review status: criteria provided, single submitter. Criteria: Athena Diagnostics Criteria. Collection method: clinical testing. Allele origin: germline.

GeneDx
Classification: Benign. Last evaluated: 2018-08-19. Review status: criteria provided, single submitter. Criteria: GeneDx Variant Classification Process June 2021. Collection method: clinical testing. Allele origin: germline. Affected: yes.

Illumina Laboratory Services, Illumina
Classification: Benign for Lethal Kniest-like syndrome. Last evaluated: 2018-01-13. Review status: criteria provided, single submitter. Criteria: ICSL Variant Classification Criteria 13 December 2019. Collection method: clinical testing. Allele origin: germline.
Comment: This variant was observed in the ICSL laboratory as part of a predisposition screen in an ostensibly healthy population. It had not been previously curated by ICSL or reported in the Human Gene Mutation Database (HGMD: prior to June 1st, 2018), and was therefore a candidate for classification through an automated scoring system. Utilizing variant allele frequency, disease prevalence and penetrance estimates, and inheritance mode, an automated score was calculated to assess if this variant is too frequent to cause the disease. Based on the score and internal cut-off values, a variant classified as benign is not then subjected to further curation. The score for this variant resulted in a classification of benign for this disease.

Illumina Laboratory Services, Illumina
Classification: Benign for Schwartz-Jampel syndrome type 1. Last evaluated: 2018-01-13. Review status: criteria provided, single submitter. Criteria: ICSL Variant Classification Criteria 13 December 2019. Collection method: clinical testing. Allele origin: germline.
Comment: the same text as in the submission from Illumina Laboratory Services, Illumina above.

Breakthrough Genomics
Classification: Benign. Review status: criteria provided, single submitter. Criteria: ACMG Guidelines, 2015. Collection method: not provided. Allele origin: germline. Inheritance: Autosomal recessive inheritance. Affected: yes.

NM_005529.7(HSPG2):c.10831-4G>A

Gene: HSPG2 (heparan sulfate proteoglycan 2; minus strand). Cytogenetic location: 1p36.12.
Variant type: single nucleotide variant.
Coding change: c.10831-4G>A on transcript NM_005529.7 (MANE Select); 4 bases into the intron before coding-DNA position 10831, G replaced by A.
Molecular consequence: intron variant.
Genome position (GRCh38, 1-based): chr1:21,833,618, C>T on the plus strand (G>A on the coding strand, the complement: HSPG2 is on the minus strand). VCF-style: chr1-21833618-C-T. GRCh37 (hg19) VCF-style: chr1-22160111-C-T.
Other names: c.10834-4G>A (NM_001291860.2).
Identifiers: ClinVar variation 295729 (VCV000295729.19), dbSNP rs17459139, ClinGen allele CA670000.
Genomic context (GRCh38, chr1:21,833,618, plus strand): 5'-GGGCAGCATCAGCATGTTGTTCTCCAGGCGGCTGTCAGGTGGCAGGCTGCCATCCAGCTG[C>T]AAATGCACTAGCACTGAGGGCCCTGGCCTTGGCCCACGGCTCCAGGGGCCCACCTCCCAT-3'